The following is an entry in ClinVar:

NM_006231.4(POLE):c.3469C>G (p.Pro1157Ala)

Gene: POLE (DNA polymerase epsilon, catalytic subunit; minus strand). Cytogenetic location: 12q24.33.
Variant type: single nucleotide variant.
Coding change: c.3469C>G on transcript NM_006231.4 (MANE Select); coding-DNA position 3469, C replaced by G.
Protein change: p.Pro1157Ala; replaces proline 1157 with alanine.
Molecular consequence: missense variant.
Genome position (GRCh38, 1-based): chr12:132,657,249, G>C on the plus strand (C>G on the coding strand, the complement: POLE is on the minus strand). VCF-style: chr12-132657249-G-C. GRCh37 (hg19) VCF-style: chr12-133233835-G-C.
Other names: c.3469C>G (NM_006231.2); short protein forms P1157A.
Identifiers: ClinVar variation 657938 (VCV000657938.15), dbSNP rs1593766098, ClinGen allele CA387388795.

ClinVar aggregate classification (germline): Uncertain significance. Review status: criteria provided, multiple submitters, no conflicts (2 of 4 stars). 4 submissions from 4 submitters: Uncertain significance (4). Last evaluated 2025-11-03.

Conditions:
Hereditary cancer-predisposing syndrome. Also called: Hereditary neoplastic syndrome; Hereditary Cancer Syndrome; Tumor predisposition; Neoplastic Syndromes, Hereditary. Identifiers: Orphanet 140162, MedGen C0027672, MeSH D009386, MONDO:0015356.

gnomAD v4.1: 27 of 1,613,988 alleles (0.0017%); highest among the groups gnomAD compares: Non-Finnish European, 0.0023%; no homozygotes.

Submissions (4):

Labcorp Genetics (formerly Invitae), Labcorp
Classification: Uncertain significance. Last evaluated: 2025-11-03. Review status: criteria provided, single submitter. Criteria: Invitae Variant Classification Sherloc (09022015). Collection method: clinical testing. Allele origin: germline.
Comment: This sequence change replaces proline, which is neutral and non-polar, with alanine, which is neutral and non-polar, at codon 1157 of the POLE protein (p.Pro1157Ala). This variant is not present in population databases (gnomAD no frequency). This variant has not been reported in the literature in individuals affected with POLE-related conditions. ClinVar contains an entry for this variant (Variation ID: 657938). Invitae Evidence Modeling of protein sequence and biophysical properties (such as structural, functional, and spatial information, amino acid conservation, physicochemical variation, residue mobility, and thermodynamic stability) indicates that this missense variant is expected to disrupt POLE protein function with a positive predictive value of 80%. In summary, the available evidence is currently insufficient to determine the role of this variant in disease. Therefore, it has been classified as a Variant of Uncertain Significance.

Ambry Genetics
Classification: Uncertain significance for Hereditary cancer-predisposing syndrome. Last evaluated: 2024-04-30. Review status: criteria provided, single submitter. Criteria: Ambry Variant Classification Scheme 2023. Collection method: clinical testing. Allele origin: germline.
Comment: The p.P1157A variant (also known as c.3469C>G), located in coding exon 29 of the POLE gene, results from a C to G substitution at nucleotide position 3469. The proline at codon 1157 is replaced by alanine, an amino acid with highly similar properties. This amino acid position is conserved. In addition, the in silico prediction for this alteration is inconclusive. Since supporting evidence is limited at this time, the clinical significance of this alteration remains unclear.

Blueprint Genetics
Classification: Uncertain significance. Last evaluated: 2023-11-07. Review status: criteria provided, single submitter. Criteria: ACMG Guidelines, 2015. Collection method: clinical testing. Allele origin: germline.

GeneDx
Classification: Uncertain significance. Last evaluated: 2022-08-30. Review status: criteria provided, single submitter. Criteria: GeneDx Variant Classification Process June 2021. Collection method: clinical testing. Allele origin: germline. Affected: yes.
Comment: Not observed at significant frequency in large population cohorts (gnomAD); In silico analysis supports that this missense variant has a deleterious effect on protein structure/function; Has not been previously published as pathogenic or benign to our knowledge